The following is an entry in ClinVar:

ClinVar aggregate classification (germline): Uncertain significance (1 of 4 stars; one submission).

Conditions:
Cystic fibrosis (CF). Also called: MUCOVISCIDOSIS. Identifiers: Orphanet 586, MedGen C0010674, MONDO:0009061, OMIM 219700. Disease mechanism: loss of function.

gnomAD v4.1: 2 of 1,613,384 alleles (0.00012%); highest among the groups gnomAD compares: Non-Finnish European, 0.00017%; no homozygotes.

Submission:

Ambry Genetics
Classification: Uncertain significance for Cystic fibrosis. Last evaluated: 2023-03-06. Review status: criteria provided, single submitter. Criteria: Ambry Variant Classification Scheme 2023. Collection method: clinical testing. Allele origin: germline.
Comment: The p.A1285G variant (also known as c.3854C>G), located in coding exon 23 of the CFTR gene, results from a C to G substitution at nucleotide position 3854. The alanine at codon 1285 is replaced by glycine, an amino acid with similar properties. This amino acid position is conserved. In addition, the in silico prediction for this alteration is inconclusive. Since supporting evidence is limited at this time, the clinical significance of this alteration remains unclear.

NM_000492.4(CFTR):c.3854C>G (p.Ala1285Gly)

Genes: CFTR (CF transmembrane conductance regulator; plus strand), CFTR-AS2 (CFTR antisense RNA 2; minus strand). Cytogenetic location: 7q31.2.
Variant type: single nucleotide variant.
Coding change: c.3854C>G on transcript NM_000492.4 (MANE Select); coding-DNA position 3854, C replaced by G.
Protein change: p.Ala1285Gly; replaces alanine 1285 with glycine.
Molecular consequence: missense variant.
Genome position (GRCh38, 1-based): chr7:117,642,574, C>G. VCF-style: chr7-117642574-C-G. GRCh37 (hg19) VCF-style: chr7-117282628-C-G.
Other names: short protein forms A1285G.
Identifiers: ClinVar variation 2453668 (VCV002453668.2), dbSNP rs397508617, ClinGen allele CA368975532.